The following is an entry in ClinVar:

ClinVar aggregate classification (germline): Uncertain significance. Review status: criteria provided, multiple submitters, no conflicts (2 of 4 stars). 4 submissions from 4 submitters: Uncertain significance (3). 1 of the submissions does not count toward it. Last evaluated 2022-11-01.

Conditions:
Inborn genetic diseases. Identifiers: MedGen C0950123, MeSH D030342.
Retinal dystrophy. Also called: Inherited retinal dystrophy. Identifiers: Orphanet 71862, MedGen C0854723, MeSH D058499, MONDO:0019118, HP:0000556.

Allele frequency attached by ClinVar (database versions not stated): TOPMed 0.00001; gnomAD 0.00003; gnomAD exomes 0.00007; ExAC 0.00018.
gnomAD v4.1: 109 of 1,614,210 alleles (0.0068%); highest among the groups gnomAD compares: South Asian, 0.12%; 1 homozygote.

Submissions (4):

Labcorp Genetics (formerly Invitae), Labcorp
Classification: Uncertain significance. Last evaluated: 2022-11-01. Review status: criteria provided, single submitter. Criteria: Invitae Variant Classification Sherloc (09022015). Collection method: clinical testing. Allele origin: germline.
Comment: This variant has not been reported in the literature in individuals affected with GPR179-related conditions. Algorithms developed to predict the effect of missense changes on protein structure and function output the following: SIFT: "Deleterious"; PolyPhen-2: "Benign"; Align-GVGD: "Class C0". The glycine amino acid residue is found in multiple mammalian species, which suggests that this missense change does not adversely affect protein function. In summary, the available evidence is currently insufficient to determine the role of this variant in disease. Therefore, it has been classified as a Variant of Uncertain Significance. This variant is present in population databases (rs751160527, gnomAD 0.1%). This sequence change replaces glutamic acid, which is acidic and polar, with glycine, which is neutral and non-polar, at codon 1909 of the GPR179 protein (p.Glu1909Gly).

Ambry Genetics
Classification: Uncertain significance for Inborn genetic diseases. Last evaluated: 2021-08-12. Review status: criteria provided, single submitter. Criteria: Ambry Variant Classification Scheme 2023. Collection method: clinical testing. Allele origin: germline.

Blueprint Genetics
Classification: Uncertain significance. Last evaluated: 2021-03-24. Review status: criteria provided, single submitter. Criteria: ACMG Guidelines, 2015. Collection method: clinical testing. Allele origin: germline.

Institute of Human Genetics, Univ. Regensburg, Univ. Regensburg
Classification: Uncertain significance for Retinal dystrophy. Last evaluated: 2022-01-01. Review status: no assertion criteria provided. Criteria: ACMG Guidelines, 2015. Collection method: clinical testing. Allele origin: germline. Affected: yes. Not counted in ClinVar's aggregate classification.

NM_001004334.4(GPR179):c.5726A>G (p.Glu1909Gly)

Gene: GPR179 (G protein-coupled receptor 179; minus strand). Cytogenetic location: 17q12.
Variant type: single nucleotide variant.
Coding change: c.5726A>G on transcript NM_001004334.4 (MANE Select); coding-DNA position 5726, A replaced by G.
Protein change: p.Glu1909Gly; replaces glutamic acid 1909 with glycine.
Molecular consequence: missense variant.
Genome position (GRCh38, 1-based): chr17:38,327,843, T>C on the plus strand (A>G on the coding strand, the complement: GPR179 is on the minus strand). VCF-style: chr17-38327843-T-C. GRCh37 (hg19) VCF-style: chr17-36483726-T-C.
Other names: short protein forms E1909G.
Identifiers: ClinVar variation 1919051 (VCV001919051.8), dbSNP rs751160527, ClinGen allele CA290103371.